The following is an entry in ClinVar:

ClinVar aggregate classification (germline): Uncertain significance (1 of 4 stars; one submission).

gnomAD v4.1: 22 of 1,614,106 alleles (0.0014%); highest among the groups gnomAD compares: Non-Finnish European, 0.0019%; no homozygotes.

Submission:

GeneDx
Classification: Uncertain significance. Last evaluated: 2023-12-03. Review status: criteria provided, single submitter. Criteria: GeneDx Variant Classification Process June 2021. Collection method: clinical testing. Allele origin: germline. Affected: yes.
Comment: Not observed at significant frequency in large population cohorts (gnomAD); In silico analysis supports that this missense variant does not alter protein structure/function; Has not been previously published as pathogenic or benign to our knowledge

NM_001394062.1(MACF1):c.14614A>G (p.Thr4872Ala)

Genes: MACF1 (microtubule actin crosslinking factor 1; plus strand), LOC114803468 (MACF1 eExon liver enhancer; plus strand). Cytogenetic location: 1p34.3.
Variant type: single nucleotide variant.
Coding change: c.14614A>G on transcript NM_001394062.1 (MANE Select); coding-DNA position 14614, A replaced by G.
Protein change: p.Thr4872Ala; replaces threonine 4872 with alanine.
Molecular consequence: missense variant.
Genome position (GRCh38, 1-based): chr1:39,387,456, A>G. VCF-style: chr1-39387456-A-G. GRCh37 (hg19) VCF-style: chr1-39853128-A-G.
Other names: c.8428A>G, p.Thr2810Ala (NM_012090.5); short protein forms T2810A, T4872A.
Identifiers: ClinVar variation 3364951 (VCV003364951.1).